The following is an entry in ClinVar:

ClinVar aggregate classification (germline): Uncertain significance (1 of 4 stars; one submission).

Conditions:
Glycogen storage disease, type II (IOPD). Also called: Glucosidase acid-1,4-alpha deficiency; GLYCOGENOSIS, GENERALIZED, CARDIAC FORM; GSD II; CARDIOMEGALIA GLYCOGENICA DIFFUSA; Pompe Disease; POMPE DISEASE, INFANTILE-ONSET. Identifiers: Orphanet 365, MedGen C0017921, MONDO:0009290, OMIM 232300.

Allele frequency attached by ClinVar (database versions not stated): gnomAD exomes below 0.00001.
gnomAD v4.1: 2 of 1,609,148 alleles (0.00012%); highest among the groups gnomAD compares: Non-Finnish European, 0.00017%; no homozygotes.

Submission:

Labcorp Genetics (formerly Invitae), Labcorp
Classification: Uncertain significance for Glycogen storage disease, type II. Last evaluated: 2022-07-06. Review status: criteria provided, single submitter. Criteria: Invitae Variant Classification Sherloc (09022015). Collection method: clinical testing. Allele origin: germline.
Comment: This sequence change replaces glutamine, which is neutral and polar, with proline, which is neutral and non-polar, at codon 633 of the GAA protein (p.Gln633Pro). This variant is not present in population databases (gnomAD no frequency). This missense change has been observed in individual(s) with GAA-related conditions (Invitae). In at least one individual the data is consistent with being in trans (on the opposite chromosome) from a pathogenic variant. ClinVar contains an entry for this variant (Variation ID: 944683). Algorithms developed to predict the effect of missense changes on protein structure and function are either unavailable or do not agree on the potential impact of this missense change (SIFT: "Tolerated"; PolyPhen-2: "Possibly Damaging"; Align-GVGD: "Class C0"). In summary, the available evidence is currently insufficient to determine the role of this variant in disease. Therefore, it has been classified as a Variant of Uncertain Significance.

NM_000152.5(GAA):c.1898A>C (p.Gln633Pro)

Gene: GAA (alpha glucosidase; plus strand). Cytogenetic location: 17q25.3.
Variant type: single nucleotide variant.
Coding change: c.1898A>C on transcript NM_000152.5 (MANE Select); coding-DNA position 1898, A replaced by C.
Protein change: p.Gln633Pro; replaces glutamine 633 with proline.
Molecular consequence: missense variant.
Genome position (GRCh38, 1-based): chr17:80,112,885, A>C. VCF-style: chr17-80112885-A-C. GRCh37 (hg19) VCF-style: chr17-78086684-A-C.
Other names: c.1898A>C, p.Gln633Pro (NM_001079803.3, NM_001079804.3); short protein forms Q633P.
Identifiers: ClinVar variation 944683 (VCV000944683.7), dbSNP rs2039274878, ClinGen allele CA401369840.